The following is an entry in ClinVar:

NM_032447.5(FBN3):c.3902_3903delinsAA (p.Pro1301Gln)

Gene: FBN3 (fibrillin 3; minus strand). Cytogenetic location: 19p13.2.
Variant type: Indel.
Coding change: c.3902_3903delinsAA on transcript NM_032447.5 (MANE Select); coding-DNA positions 3902 to 3903, CG replaced by AA.
Protein change: p.Pro1301Gln; replaces proline 1301 with glutamine.
Molecular consequence: missense variant.
Genome position (GRCh38, 1-based): chr19:8,112,035-8,112,036, CG replaced by TT on the plus strand (CG replaced by AA on the coding strand, the reverse complement: FBN3 is on the minus strand). VCF-style: chr19-8112035-CG-TT. GRCh37 (hg19) VCF-style: chr19-8176919-CG-TT.
Other names: c.3902_3903delinsAA, p.Pro1301Gln (NM_001321431.2); short protein forms P1301Q.
Identifiers: ClinVar variation 2846714 (VCV002846714.3), dbSNP rs2512797538, ClinGen allele CA2739276419.
Genomic context (GRCh38, chr19:8,112,035, plus strand): 5'-ACCGTGACATTCGAAGCCATCCCCCACCCAGCCTGGCAGGCACCTACAGCTGAAACTCCC[CG>TT]GGATGTTGAGACAGGAGGCGTGACTGTCACAGTTGTGTCCTCCAACCTCGCATTCATCCA-3'
Protein context (NP_115823.3, residues 1291-1311): CDSHASCLNI[Pro1301Gln]GSFSCRCLPG

ClinVar aggregate classification (germline): Uncertain significance (1 of 4 stars; one submission).

Submission:

Labcorp Genetics (formerly Invitae), Labcorp
Classification: Uncertain significance. Last evaluated: 2023-03-17. Review status: criteria provided, single submitter. Criteria: Invitae Variant Classification Sherloc (09022015). Collection method: clinical testing. Allele origin: germline.
Comment: In summary, the available evidence is currently insufficient to determine the role of this variant in disease. Therefore, it has been classified as a Variant of Uncertain Significance. An algorithm developed to predict the effect of missense changes on protein structure and function (PolyPhen-2) suggests that this variant is likely to be disruptive. This variant has not been reported in the literature in individuals affected with FBN3-related conditions. Information on the frequency of this variant in the gnomAD database is not available, as this variant may be reported differently in the database. This sequence change replaces proline, which is neutral and non-polar, with glutamine, which is neutral and polar, at codon 1301 of the FBN3 protein (p.Pro1301Gln).